The following is an entry in ClinVar:

NM_000350.3(ABCA4):c.4194C>T (p.Gly1398=)

Gene: ABCA4 (ATP binding cassette subfamily A member 4; minus strand). Cytogenetic location: 1p22.1.
Variant type: single nucleotide variant.
Coding change: c.4194C>T on transcript NM_000350.3 (MANE Select); coding-DNA position 4194, C replaced by T.
Protein change: p.Gly1398=; no amino-acid change (glycine 1398 retained).
Molecular consequence: synonymous variant.
Genome position (GRCh38, 1-based): chr1:94,031,055, G>A on the plus strand (C>T on the coding strand, the complement: ABCA4 is on the minus strand). VCF-style: chr1-94031055-G-A. GRCh37 (hg19) VCF-style: chr1-94496611-G-A.
Other names: NM_000350.3(ABCA4):c.4194C>T; p.Gly1398=; c.3972C>T, p.Gly1324= (NM_001425324.1).
Identifiers: ClinVar variation 298241 (VCV000298241.12), dbSNP rs763857670, ClinGen allele CA957691.

ClinVar aggregate classification (germline): Likely benign. Review status: reviewed by expert panel (3 of 4 stars). 4 submissions from 4 submitters: Likely benign (1). 3 of the submissions do not count toward it. Last evaluated 2026-01-27.

Conditions:
ABCA4-related retinopathy. Also called: ABCA4 retinoapthy; ABCA4-related retinoapthy. Identifiers: MedGen CN322612, MONDO:0800406.
ABCA4-related disorder. Also called: ABCA4-related condition; ABCA4-related disorders. Identifiers: MedGen CN239167.

Allele frequency attached by ClinVar (database versions not stated): TOPMed 0.00001; gnomAD 0.00002; gnomAD exomes 0.00004; ExAC 0.00006.
gnomAD v4.1: 34 of 1,613,970 alleles (0.0021%); highest among the groups gnomAD compares: Admixed American, 0.013%; no homozygotes.

Submissions (4):

ClinGen ABCA4 Variant Curation Expert Panel, Clingen
Classification: Likely benign for ABCA4-related retinopathy. Last evaluated: 2026-01-27. Review status: reviewed by expert panel. Criteria: ClinGen ABCA4 ACMG Specifications V1.0.0. Collection method: curation. Allele origin: germline. Inheritance: Autosomal recessive inheritance.
Comment: The NM_000350.3:c.4194C>T; p.Gly1398= variant is a synonymous variant. The total minor allele frequency in gnomAD v4.1.0 is 0.000021 (34/282660 alleles), which is lower than the ClinGen ABCA4 VCEP’s threshold for PM2_Supporting (<0.0001). This variant is not found to be reported in the literature. The computational splicing predictor SpliceAI gives this synonymous variant a delta score of 0.07 for acceptor loss which is below the ClinGen ABCA4 VCEP threshold of <0.1 and does not strongly predict a splicing defect (BP7_Moderate). In summary, this variant meets the criteria to be classified as likely benign for ABCA4-related retinopathy based on the ACMG/AMP criteria applied, as specified by the ClinGen ABCA4 VCEP (Specification Version v.1.0 (PM2_Supporting, BP7_Moderate).

Labcorp Genetics (formerly Invitae), Labcorp
Classification: Likely benign. Last evaluated: 2026-01-18. Review status: criteria provided, single submitter. Criteria: Invitae Variant Classification Sherloc (09022015). Collection method: clinical testing. Allele origin: germline. Not counted in ClinVar's aggregate classification.

PreventionGenetics, part of Exact Sciences
Classification: Likely benign for ABCA4-related condition. Last evaluated: 2025-04-22. Review status: criteria provided, single submitter. Criteria: ACMG Guidelines, 2015. Collection method: clinical testing. Allele origin: germline. Not counted in ClinVar's aggregate classification.
Comment: This variant is classified as likely benign based on ACMG/AMP sequence variant interpretation guidelines (Richards et al. 2015 PMID: 25741868, with internal and published modifications).

Illumina Laboratory Services, Illumina
Classification: Uncertain significance for ABCA4-Related Disorders. Last evaluated: 2018-01-13. Review status: criteria provided, single submitter. Criteria: ICSL Variant Classification Criteria 13 December 2019. Collection method: clinical testing. Allele origin: germline. Not counted in ClinVar's aggregate classification.